The following is an entry in ClinVar:

ClinVar aggregate classification (germline): Pathogenic (1 of 4 stars; one submission).

Submission:

Labcorp Genetics (formerly Invitae), Labcorp
Classification: Pathogenic. Last evaluated: 2022-05-16. Review status: criteria provided, single submitter. Criteria: Invitae Variant Classification Sherloc (09022015). Collection method: clinical testing. Allele origin: germline.
Comment: This variant is a gross deletion of the genomic region encompassing exon(s) 5-6 of the HPSE2 gene. This deletion is out-of-frame, and is expected to create a premature termination codon and result in an absent or disrupted protein product. Loss-of-function variants in HPSE2 are known to be pathogenic (PMID: 20560210, 25510506). This variant has not been reported in the literature in individuals affected with HPSE2-related conditions. For these reasons, this variant has been classified as Pathogenic.

Literature cited by the submitters: PubMed 20560210; PubMed 25510506.

NC_000010.10:g.(?_100453637)_(100481605_?)del

Gene: HPSE2 (heparanase 2 (inactive); minus strand). Cytogenetic location: 10q24.2.
Variant type: Deletion.
Identifiers: ClinVar variation 2426684 (VCV002426684.3).